The following is an entry in ClinVar:

ClinVar aggregate classification (germline): Uncertain significance. Review status: criteria provided, multiple submitters, no conflicts (2 of 4 stars). 2 submissions from 2 submitters: Uncertain significance (2). Last evaluated 2026-04-18.

Conditions:
ALMS1-related disorder. Also called: ALMS1-related condition.
Alstrom syndrome (ALMS). Identifiers: Orphanet 64, MedGen C0268425, MONDO:0008763, OMIM 203800.

Submissions (2):

PreventionGenetics, part of Exact Sciences
Classification: Uncertain significance for ALMS1-related condition. Last evaluated: 2026-04-18. Review status: criteria provided, single submitter. Criteria: ACMG Guidelines, 2015. Collection method: clinical testing. Allele origin: germline.
Comment: The ALMS1 c.11243C>G variant is predicted to result in the amino acid substitution p.Thr3748Ser. To our knowledge, this variant has not been reported in the literature. This variant is reported in 0.0056% of alleles in individuals of East Asian descent in gnomAD. At this time, the clinical significance of this variant is uncertain due to the absence of conclusive functional and genetic evidence.

Labcorp Genetics (formerly Invitae), Labcorp
Classification: Uncertain significance for Alstrom syndrome. Last evaluated: 2021-04-12. Review status: criteria provided, single submitter. Criteria: Invitae Variant Classification Sherloc (09022015). Collection method: clinical testing. Allele origin: germline.
Comment: This variant is not present in population databases (ExAC no frequency). This sequence change replaces threonine with arginine at codon 3748 of the ALMS1 protein (p.Thr3748Arg). The threonine residue is moderately conserved and there is a moderate physicochemical difference between threonine and arginine. This variant has not been reported in the literature in individuals with ALMS1-related conditions. Experimental studies and prediction algorithms are not available or were not evaluated, and the functional significance of this variant is currently unknown. In summary, the available evidence is currently insufficient to determine the role of this variant in disease. Therefore, it has been classified as a Variant of Uncertain Significance.

NM_001378454.1(ALMS1):c.11240C>G (p.Thr3747Arg)

Gene: ALMS1 (ALMS1 centrosome and basal body associated protein; plus strand). Cytogenetic location: 2p13.1.
Variant type: single nucleotide variant.
Coding change: c.11240C>G on transcript NM_001378454.1 (MANE Select); coding-DNA position 11240, C replaced by G.
Protein change: p.Thr3747Arg; replaces threonine 3747 with arginine.
Molecular consequence: missense variant.
Genome position (GRCh38, 1-based): chr2:73,573,117, C>G. VCF-style: chr2-73573117-C-G. GRCh37 (hg19) VCF-style: chr2-73800244-C-G.
Other names: c.11243C>G, p.Thr3748Arg (NM_015120.4); short protein forms T3747R, T3748R.
Identifiers: ClinVar variation 1385096 (VCV001385096.6), dbSNP rs2104107105, ClinGen allele CA347288551.